The following is an entry in ClinVar:

ClinVar aggregate classification (germline): Uncertain significance (1 of 4 stars; one submission).

Conditions:
Propionic acidemia (PROP). Also called: GLYCINEMIA, KETOTIC; HYPERGLYCINEMIA WITH KETOACIDOSIS AND LEUKOPENIA; KETOTIC HYPERGLYCINEMIA. Identifiers: Orphanet 35, MedGen C0268579, MONDO:0011628, OMIM 606054, HP:0003571.

Allele frequency attached by ClinVar (database versions not stated): gnomAD exomes below 0.00001.
gnomAD v4.1: 1 of 1,613,956 alleles (0.000062%); highest among the groups gnomAD compares: Admixed American, 0.0017%; no homozygotes.

Submission:

Labcorp Genetics (formerly Invitae), Labcorp
Classification: Uncertain significance for Propionic acidemia. Last evaluated: 2023-11-06. Review status: criteria provided, single submitter. Criteria: Invitae Variant Classification Sherloc (09022015). Collection method: clinical testing. Allele origin: germline.
Comment: This sequence change replaces isoleucine, which is neutral and non-polar, with methionine, which is neutral and non-polar, at codon 70 of the PCCB protein (p.Ile70Met). This variant is present in population databases (no rsID available, gnomAD no frequency). This variant has not been reported in the literature in individuals affected with PCCB-related conditions. ClinVar contains an entry for this variant (Variation ID: 1966975). Advanced modeling of protein sequence and biophysical properties (such as structural, functional, and spatial information, amino acid conservation, physicochemical variation, residue mobility, and thermodynamic stability) has been performed at Invitae for this missense variant, however the output from this modeling did not meet the statistical confidence thresholds required to predict the impact of this variant on PCCB protein function. In summary, the available evidence is currently insufficient to determine the role of this variant in disease. Therefore, it has been classified as a Variant of Uncertain Significance.

NM_000532.5(PCCB):c.210C>G (p.Ile70Met)

Gene: PCCB (propionyl-CoA carboxylase subunit beta; plus strand). Cytogenetic location: 3q22.3.
Variant type: single nucleotide variant.
Coding change: c.210C>G on transcript NM_000532.5 (MANE Select); coding-DNA position 210, C replaced by G.
Protein change: p.Ile70Met; replaces isoleucine 70 with methionine.
Molecular consequence: missense variant.
Genome position (GRCh38, 1-based): chr3:136,255,882, C>G. VCF-style: chr3-136255882-C-G. GRCh37 (hg19) VCF-style: chr3-135974724-C-G.
Other names: c.210C>G, p.Ile70Met (NM_001178014.2); short protein forms I70M.
Identifiers: ClinVar variation 1966975 (VCV001966975.5), dbSNP rs1195573163, ClinGen allele CA354738406.